The following is an entry in ClinVar:

NM_001355436.2(SPTB):c.1644+17G>A

Gene: SPTB (spectrin beta, erythrocytic; minus strand). Cytogenetic location: 14q23.3.
Variant type: single nucleotide variant.
Coding change: c.1644+17G>A on transcript NM_001355436.2 (MANE Select); 17 bases into the intron after coding-DNA position 1644, G replaced by A.
Molecular consequence: intron variant.
Genome position (GRCh38, 1-based): chr14:64,795,320, C>T on the plus strand (G>A on the coding strand, the complement: SPTB is on the minus strand). VCF-style: chr14-64795320-C-T. GRCh37 (hg19) VCF-style: chr14-65262038-C-T.
Other names: p.?; c.1644+17G>A (NM_001024858.4, NM_001355437.2).
Identifiers: ClinVar variation 4683883 (VCV004683883.2).
Genomic context (GRCh38, chr14:64,795,320, plus strand): 5'-GCCTATGCTAACTGCAGGGCCACTGAGACCCAAGGTGAGCACTGCAGGGCATGGCGGGGG[C>T]GGCCCCCAGGGCCCACCTTGATCTCATCCATCCAGTCGATGCTGTGCAGCATGTCCTGGA-3'

ClinVar aggregate classification (germline): Likely benign. Review status: criteria provided, multiple submitters, no conflicts (2 of 4 stars). 2 submissions from 2 submitters: Likely benign (2). Last evaluated 2026-01-25.

gnomAD v4.1: 8 of 1,547,356 alleles (0.00052%); highest among the groups gnomAD compares: East Asian, 0.0047%; no homozygotes.

Submissions (2):

Labcorp Genetics (formerly Invitae), Labcorp
Classification: Likely benign. Last evaluated: 2026-01-25. Review status: criteria provided, single submitter. Criteria: Invitae Variant Classification Sherloc (09022015). Collection method: clinical testing. Allele origin: germline.

Mayo Clinic Laboratories, Mayo Clinic
Classification: Likely benign. Last evaluated: 2025-05-30. Review status: criteria provided, single submitter. Criteria: ACMG Guidelines, 2015. Collection method: clinical testing. Allele origin: germline. Observed: 1 variant allele.
Comment: BP4, BP7